The following is an entry in ClinVar:

NM_001845.6(COL4A1):c.2407C>T (p.Pro803Ser)

Gene: COL4A1 (collagen type IV alpha 1 chain; minus strand). Cytogenetic location: 13q34.
Variant type: single nucleotide variant.
Coding change: c.2407C>T on transcript NM_001845.6 (MANE Select); coding-DNA position 2407, C replaced by T.
Protein change: p.Pro803Ser; replaces proline 803 with serine.
Molecular consequence: missense variant.
Genome position (GRCh38, 1-based): chr13:110,178,974, G>A on the plus strand (C>T on the coding strand, the complement: COL4A1 is on the minus strand). VCF-style: chr13-110178974-G-A. GRCh37 (hg19) VCF-style: chr13-110831321-G-A.
Other names: short protein forms P803S.
Identifiers: ClinVar variation 3050331 (VCV003050331.4), dbSNP rs779414093, ClinGen allele CA7047603.
Genomic context (GRCh38, chr13:110,178,974, plus strand): 5'-GTCACTCACCTGACAACCCCGGTGGTCCCTGTCCTCCAGGGGGACCCCTAGCTCCAGGGG[G>A]GCCTATTCCTGGAACTCCTGGAGACCCCACGGAGCCTGGCAATCCAGGAGGTCCCGGTTC-3'
Protein context (NP_001836.3, residues 793-813): VGSPGVPGIG[Pro803Ser]PGARGPPGGQ

ClinVar aggregate classification (germline): Uncertain significance. Review status: criteria provided, multiple submitters, no conflicts (2 of 4 stars). 3 submissions from 3 submitters: Uncertain significance (2). 1 of the submissions does not count toward it. Last evaluated 2026-05-21.

Conditions:
COL4A1-related disorder. Also called: COL4A1-related disorders; COL4A1-related condition. Identifiers: MedGen CN376119, MONDO:0800461.

Allele frequency attached by ClinVar (database versions not stated): gnomAD 0.00001; ExAC 0.00001; gnomAD exomes below 0.00001; TOPMed 0.00002.
gnomAD v4.1: 4 of 1,612,354 alleles (0.00025%); highest among the groups gnomAD compares: African/African-American, 0.0053%; no homozygotes.

Submissions (3):

Women's Health and Genetics/Laboratory Corporation of America, LabCorp
Classification: Uncertain significance. Last evaluated: 2026-05-21. Review status: criteria provided, single submitter. Criteria: LabCorp Variant Classification Summary - May 2015. Collection method: clinical testing. Allele origin: germline.
Comment: Variant summary: COL4A1 c.2407C>T (p.Pro803Ser) results in a non-conservative amino acid change in the encoded protein sequence. Algorithms developed to predict the effect of missense changes on protein structure and function all suggest that this variant is likely to be disruptive. The variant allele was found at a frequency of 4.1e-06 in 246674 control chromosomes. The available data on variant occurrences in the general population are insufficient to allow any conclusion about variant significance. To our knowledge, no occurrence of c.2407C>T in individuals affected with COL4A1-related conditions and no experimental evidence demonstrating its impact on protein function have been reported. ClinVar contains an entry for this variant (Variation ID: 3050331). Based on the evidence outlined above, the variant was classified as uncertain significance.

Labcorp Genetics (formerly Invitae), Labcorp
Classification: Uncertain significance. Last evaluated: 2025-11-15. Review status: criteria provided, single submitter. Criteria: Invitae Variant Classification Sherloc (09022015). Collection method: clinical testing. Allele origin: germline.
Comment: This sequence change replaces proline, which is neutral and non-polar, with serine, which is neutral and polar, at codon 803 of the COL4A1 protein (p.Pro803Ser). This variant is present in population databases (rs779414093, gnomAD 0.01%). This variant has not been reported in the literature in individuals affected with COL4A1-related conditions. ClinVar contains an entry for this variant (Variation ID: 3050331). Invitae Evidence Modeling of protein sequence and biophysical properties (such as structural, functional, and spatial information, amino acid conservation, physicochemical variation, residue mobility, and thermodynamic stability) indicates that this missense variant is not expected to disrupt COL4A1 protein function with a negative predictive value of 95%. In summary, the available evidence is currently insufficient to determine the role of this variant in disease. Therefore, it has been classified as a Variant of Uncertain Significance.

PreventionGenetics, part of Exact Sciences
Classification: Uncertain significance for COL4A1-related condition. Last evaluated: 2024-02-01. Review status: no assertion criteria provided. Collection method: clinical testing. Allele origin: germline. Not counted in ClinVar's aggregate classification.
Comment: The COL4A1 c.2407C>T variant is predicted to result in the amino acid substitution p.Pro803Ser. To our knowledge, this variant has not been reported in the literature. This variant is reported in 0.0083% of alleles in individuals of African descent in gnomAD. At this time, the clinical significance of this variant is uncertain due to the absence of conclusive functional and genetic evidence.